The following is an entry in ClinVar:

ClinVar aggregate classification (germline): Likely pathogenic (1 of 4 stars; one submission).

Conditions:
Joubert syndrome. Also called: CEREBELLOPARENCHYMAL DISORDER IV; JOUBERT-BOLTSHAUSER SYNDROME; Familial aplasia of the vermis. Identifiers: Orphanet 475, MedGen C5979921, MONDO:0018772.
Meckel-Gruber syndrome. Also called: DYSENCEPHALIA SPLANCHNOCYSTICA; GRUBER SYNDROME; Dysencephalia splachnocystica. Identifiers: Orphanet 564, MedGen C0265215, MONDO:0018921.

Allele frequency attached by ClinVar (database versions not stated): TOPMed below 0.00001; gnomAD 0.00001; ExAC 0.00002.
gnomAD v4.1: 2 of 1,574,138 alleles (0.00013%); highest among the groups gnomAD compares: African/African-American, 0.0027%; no homozygotes.

Submission:

Labcorp Genetics (formerly Invitae), Labcorp
Classification: Likely pathogenic for Joubert syndrome; Meckel-Gruber syndrome. Last evaluated: 2024-01-21. Review status: criteria provided, single submitter. Criteria: Invitae Variant Classification Sherloc (09022015). Collection method: clinical testing. Allele origin: germline.
Comment: This sequence change affects a donor splice site in intron 11 of the RPGRIP1L gene. It is expected to disrupt RNA splicing. Variants that disrupt the donor or acceptor splice site typically lead to a loss of protein function (PMID: 16199547), and loss-of-function variants in RPGRIP1L are known to be pathogenic (PMID: 17558409). The frequency data for this variant in the population databases is considered unreliable, as metrics indicate poor data quality at this position in the gnomAD database. This variant has not been reported in the literature in individuals affected with RPGRIP1L-related conditions. ClinVar contains an entry for this variant (Variation ID: 2102523). Algorithms developed to predict the effect of sequence changes on RNA splicing suggest that this variant may disrupt the consensus splice site. In summary, the currently available evidence indicates that the variant is pathogenic, but additional data are needed to prove that conclusively. Therefore, this variant has been classified as Likely Pathogenic.

Literature cited by the submitters: PubMed 16199547; PubMed 17558409.

NM_015272.5(RPGRIP1L):c.1350+1G>T

Gene: RPGRIP1L (RPGRIP1 like; minus strand). Cytogenetic location: 16q12.2.
Variant type: single nucleotide variant.
Coding change: c.1350+1G>T on transcript NM_015272.5 (MANE Select); the canonical splice donor site of the intron after coding-DNA position 1350, G replaced by T.
Molecular consequence: splice donor variant.
Genome position (GRCh38, 1-based): chr16:53,658,771, C>A on the plus strand (G>T on the coding strand, the complement: RPGRIP1L is on the minus strand). VCF-style: chr16-53658771-C-A. GRCh37 (hg19) VCF-style: chr16-53692683-C-A.
Other names: c.1350+1G>T (NM_001127897.4, NM_001330538.2, NM_001308334.3).
Identifiers: ClinVar variation 2102523 (VCV002102523.4), dbSNP rs761435025, ClinGen allele CA8057839.